The following is an entry in ClinVar:

ClinVar aggregate classification (germline): Uncertain significance (1 of 4 stars; one submission).

gnomAD v4.1: 3 of 1,613,446 alleles (0.00019%); highest among the groups gnomAD compares: Non-Finnish European, 0.00025%; no homozygotes.

Submission:

GeneDx
Classification: Uncertain significance. Last evaluated: 2024-12-05. Review status: criteria provided, single submitter. Criteria: GeneDx Variant Classification Process June 2021. Collection method: clinical testing. Allele origin: germline. Affected: yes.
Comment: Not observed at significant frequency in large population cohorts (gnomAD); Has not been previously published as pathogenic or benign to our knowledge; Nonsense variant predicted to result in protein truncation as the last 23 amino acids are lost with an unclear effect on protein function

NM_001282597.3(CTNNA2):c.2791C>T (p.Arg931Ter)

Gene: CTNNA2 (catenin alpha 2; plus strand). Cytogenetic location: 2p12.
Variant type: single nucleotide variant.
Coding change: c.2791C>T on transcript NM_001282597.3 (MANE Select); coding-DNA position 2791, C replaced by T.
Protein change: p.Arg931Ter; replaces arginine 931 with a stop codon.
Molecular consequence: nonsense.
Genome position (GRCh38, 1-based): chr2:80,647,801, C>T. VCF-style: chr2-80647801-C-T. GRCh37 (hg19) VCF-style: chr2-80874926-C-T.
Other names: c.2512C>T, p.Arg838Ter (NM_001164883.2); c.2749C>T, p.Arg917Ter (NM_001282598.2); c.1684C>T, p.Arg562Ter (NM_001282599.2); c.1543C>T, p.Arg515Ter (NM_001282600.2); c.1687C>T, p.Arg563Ter (NM_001320810.2); c.2647C>T, p.Arg883Ter (NM_001399737.1, NM_004389.4); short protein forms R515*, R562*, R563*, R838*, R883*, R917*, R931*.
Identifiers: ClinVar variation 3901370 (VCV003901370.1).